The following is an entry in ClinVar:

ClinVar aggregate classification (germline): Uncertain significance (1 of 4 stars; one submission).

Conditions:
Cardiovascular phenotype. Identifiers: MedGen CN230736.

Allele frequency attached by ClinVar (database versions not stated): TOPMed 0.00001.
gnomAD v4.1: 3 of 1,610,252 alleles (0.00019%); highest among the groups gnomAD compares: Admixed American, 0.0034%; no homozygotes.

Submission:

Ambry Genetics
Classification: Uncertain significance for Cardiovascular phenotype. Last evaluated: 2020-02-12. Review status: criteria provided, single submitter. Criteria: Ambry Variant Classification Scheme 2023. Collection method: clinical testing. Allele origin: germline.
Comment: The p.C12732Y variant (also known as c.38195G>A), located in coding exon 139 of the TTN gene, results from a G to A substitution at nucleotide position 38195. The cysteine at codon 12732 is replaced by tyrosine, an amino acid with highly dissimilar properties. This amino acid position is well conserved in available vertebrate species. In addition, this alteration is predicted to be tolerated by in silico analysis. Since supporting evidence is limited at this time, the clinical significance of this alteration remains unclear.

NM_001267550.2(TTN):c.65390G>A (p.Cys21797Tyr)

Genes: TTN (titin; minus strand), TTN-AS1 (TTN antisense RNA 1; plus strand). Cytogenetic location: 2q31.2.
Variant type: single nucleotide variant.
Coding change: c.65390G>A on transcript NM_001267550.2 (MANE Select); coding-DNA position 65390, G replaced by A.
Protein change: p.Cys21797Tyr; replaces cysteine 21797 with tyrosine.
Molecular consequence: missense variant. On other transcripts: non-coding transcript variant (1).
Genome position (GRCh38, 1-based): chr2:178,583,792, C>T on the plus strand (G>A on the coding strand, the complement: TTN is on the minus strand). VCF-style: chr2-178583792-C-T. GRCh37 (hg19) VCF-style: chr2-179448519-C-T.
Other names: c.60467G>A, p.Cys20156Tyr (NM_001256850.1); c.38195G>A, p.Cys12732Tyr (NM_003319.4); c.57686G>A, p.Cys19229Tyr (NM_133378.4); c.38570G>A, p.Cys12857Tyr (NM_133432.3); c.38771G>A, p.Cys12924Tyr (NM_133437.4); short protein forms C12857Y, C12924Y, C19229Y, C21797Y, C20156Y, C12732Y.
Identifiers: ClinVar variation 1735215 (VCV001735215.2), dbSNP rs886042894, ClinGen allele CA349434285.